The following is an entry in ClinVar:

ClinVar aggregate classification (germline): Uncertain significance (1 of 4 stars; one submission).

Allele frequency attached by ClinVar (database versions not stated): gnomAD 0.00002; gnomAD exomes 0.00002; TOPMed 0.00003.
gnomAD v4.1: 33 of 1,552,936 alleles (0.0021%); highest among the groups gnomAD compares: East Asian, 0.024%; no homozygotes.

Submission:

GeneDx
Classification: Uncertain significance. Last evaluated: 2019-03-29. Review status: criteria provided, single submitter. Criteria: GeneDx Variant Classification Process June 2021. Collection method: clinical testing. Allele origin: germline. Affected: yes.
Comment: Not observed at a significant frequency in large population cohorts (Lek et al., 2016); In silico analysis, which includes protein predictors and evolutionary conservation, supports a deleterious effect; Has not been previously published as pathogenic or benign to our knowledge

NM_014704.4(CEP104):c.2602G>A (p.Gly868Ser)

Gene: CEP104 (centrosomal protein 104; minus strand). Cytogenetic location: 1p36.32.
Variant type: single nucleotide variant.
Coding change: c.2602G>A on transcript NM_014704.4 (MANE Select); coding-DNA position 2602, G replaced by A.
Protein change: p.Gly868Ser; replaces glycine 868 with serine.
Molecular consequence: missense variant.
Genome position (GRCh38, 1-based): chr1:3,816,340, C>T on the plus strand (G>A on the coding strand, the complement: CEP104 is on the minus strand). VCF-style: chr1-3816340-C-T. GRCh37 (hg19) VCF-style: chr1-3732904-C-T.
Other names: short protein forms G868S.
Identifiers: ClinVar variation 1308466 (VCV001308466.2), dbSNP rs1329373364, ClinGen allele CA338030832.